The following is an entry in ClinVar:

NM_003482.4(KMT2D):c.15968G>A (p.Arg5323His)

Gene: KMT2D (lysine methyltransferase 2D; minus strand). Cytogenetic location: 12q13.12.
Variant type: single nucleotide variant.
Coding change: c.15968G>A on transcript NM_003482.4 (MANE Select); coding-DNA position 15968, G replaced by A.
Protein change: p.Arg5323His; replaces arginine 5323 with histidine.
Molecular consequence: missense variant.
Genome position (GRCh38, 1-based): chr12:49,024,662, C>T on the plus strand (G>A on the coding strand, the complement: KMT2D is on the minus strand). VCF-style: chr12-49024662-C-T. GRCh37 (hg19) VCF-style: chr12-49418445-C-T.
Other names: short protein forms R5323H.
Identifiers: ClinVar variation 447669 (VCV000447669.9), dbSNP rs745599611, ClinGen allele CA6545452.

ClinVar aggregate classification (germline): Conflicting classifications of pathogenicity. Review status: criteria provided, conflicting classifications (1 of 4 stars). 6 submissions from 6 submitters: Uncertain significance (5); Benign (1). Last evaluated 2026-01-27.

Conditions:
Choanal atresia-athelia-hypothyroidism-delayed puberty-short stature syndrome (BCAHH). Also called: BRANCHIAL ARCH ABNORMALITIES, CHOANAL ATRESIA, ATHELIA, HEARING LOSS, AND HYPOTHYROIDISM SYNDROME. Identifiers: Orphanet 589856, MedGen C5680310, MONDO:0035651, OMIM 620186.
Kabuki syndrome 1 (KABUK1). Also called: KMT2D-Related Kabuki Syndrome. Identifiers: Orphanet 2322, MedGen CN030661, MONDO:0007843, OMIM 147920.
Kabuki syndrome. Also called: NIIKAWA-KUROKI SYNDROME; Kabuki make-up syndrome. Identifiers: Orphanet 2322, MedGen C0796004, MONDO:0016512.

Allele frequency attached by ClinVar (database versions not stated): gnomAD 0.00001; gnomAD exomes 0.00001; ExAC 0.00002; TOPMed 0.00002.
gnomAD v4.1: 13 of 1,613,672 alleles (0.00081%); highest among the groups gnomAD compares: African/African-American, 0.0013%; no homozygotes.

Submissions (6):

Women's Health and Genetics/Laboratory Corporation of America, LabCorp
Classification: Uncertain significance. Last evaluated: 2026-01-27. Review status: criteria provided, single submitter. Criteria: LabCorp Variant Classification Summary - May 2015. Collection method: clinical testing. Allele origin: germline.
Comment: Variant summary: KMT2D c.15968G>A (p.Arg5323His) results in a non-conservative amino acid change in the encoded protein sequence. Algorithms developed to predict the effect of missense changes on protein structure and function are either unavailable or do not agree on the potential impact of this missense change. The variant allele was found at a frequency of 8e-06 in 248842 control chromosomes. The available data on variant occurrences in the general population are insufficient to allow any conclusion about variant significance. To our knowledge, no occurrence of c.15968G>A in individuals affected with KMT2D-related conditions and no experimental evidence demonstrating its impact on protein function have been reported. ClinVar contains an entry for this variant (Variation ID: 447669). Based on the evidence outlined above, the variant was classified as uncertain significance.

Labcorp Genetics (formerly Invitae), Labcorp
Classification: Benign for Kabuki syndrome. Last evaluated: 2025-12-16. Review status: criteria provided, single submitter. Criteria: Invitae Variant Classification Sherloc (09022015). Collection method: clinical testing. Allele origin: germline.

Fulgent Genetics
Classification: Uncertain significance for Kabuki syndrome 1; Choanal atresia-athelia-hypothyroidism-delayed puberty-short stature syndrome. Last evaluated: 2024-05-28. Review status: criteria provided, single submitter. Criteria: ACMG Guidelines, 2015. Collection method: clinical testing. Allele origin: germline.

GeneDx
Classification: Uncertain significance. Last evaluated: 2022-06-24. Review status: criteria provided, single submitter. Criteria: GeneDx Variant Classification Process June 2021. Collection method: clinical testing. Allele origin: germline. Affected: yes.
Comment: In silico analysis supports that this missense variant has a deleterious effect on protein structure/function; Has not been previously published as pathogenic or benign to our knowledge

New York Genome Center
Classification: Uncertain significance for Kabuki syndrome 1. Last evaluated: 2020-07-10. Review status: criteria provided, single submitter. Criteria: NYGC Assertion Criteria 2020. Collection method: clinical testing. Allele origin: germline. Observed: 1 heterozygote. Study: CSER-NYCKidSeq.

Athena Diagnostics
Classification: Uncertain significance. Last evaluated: 2016-08-19. Review status: criteria provided, single submitter. Criteria: Athena Diagnostics Criteria. Collection method: clinical testing. Allele origin: germline.